The following is an entry in ClinVar:

NM_015158.5(KANK1):c.965G>A (p.Arg322Gln)

Gene: KANK1 (KN motif and ankyrin repeat domains 1; plus strand). Cytogenetic location: 9p24.3.
Variant type: single nucleotide variant.
Coding change: c.965G>A on transcript NM_015158.5 (MANE Select); coding-DNA position 965, G replaced by A.
Protein change: p.Arg322Gln; replaces arginine 322 with glutamine.
Molecular consequence: missense variant. On other transcripts: non-coding transcript variant (1).
Genome position (GRCh38, 1-based): chr9:711,731, G>A. VCF-style: chr9-711731-G-A. GRCh37 (hg19) VCF-style: chr9-711731-G-A.
Other names: c.965G>A, p.Arg322Gln (NM_001256876.3, NM_001256877.3, NM_001354331.2 and 2 more transcripts); c.491G>A, p.Arg164Gln (NM_001354333.2, NM_001354335.2, NM_001354336.2 and 9 more transcripts); short protein forms R164Q, R322Q.
Identifiers: ClinVar variation 3665624 (VCV003665624.3).

ClinVar aggregate classification (germline): Uncertain significance. Review status: criteria provided, multiple submitters, no conflicts (2 of 4 stars). 2 submissions from 2 submitters: Uncertain significance (2). Last evaluated 2026-07-01.

gnomAD v4.1: 25 of 1,614,104 alleles (0.0015%); highest among the groups gnomAD compares: African/African-American, 0.0053%; no homozygotes.

Submissions (2):

CeGaT Center for Human Genetics Tuebingen
Classification: Uncertain significance. Last evaluated: 2026-07-01. Review status: criteria provided, single submitter. Criteria: CeGaT Center For Human Genetics Tuebingen Variant Classification Criteria Version 2. Collection method: clinical testing. Allele origin: germline. Affected: yes. Observed: 1 variant allele.

Labcorp Genetics (formerly Invitae), Labcorp
Classification: Uncertain significance. Last evaluated: 2024-02-16. Review status: criteria provided, single submitter. Criteria: Invitae Variant Classification Sherloc (09022015). Collection method: clinical testing. Allele origin: germline.
Comment: This sequence change replaces arginine, which is basic and polar, with glutamine, which is neutral and polar, at codon 322 of the KANK1 protein (p.Arg322Gln). This variant is present in population databases (rs774067176, gnomAD 0.003%). This variant has not been reported in the literature in individuals affected with KANK1-related conditions. Advanced modeling of protein sequence and biophysical properties (such as structural, functional, and spatial information, amino acid conservation, physicochemical variation, residue mobility, and thermodynamic stability) performed at Invitae indicates that this missense variant is expected to disrupt KANK1 protein function with a positive predictive value of 80%. In summary, the available evidence is currently insufficient to determine the role of this variant in disease. Therefore, it has been classified as a Variant of Uncertain Significance.